The following is an entry in ClinVar:

NM_000051.4(ATM):c.5554_5557delinsTAAA (p.Gln1852_Asp1853delinsTer)

Gene: ATM (ATM serine/threonine kinase; plus strand). Cytogenetic location: 11q22.3.
Variant type: Indel.
Coding change: c.5554_5557delinsTAAA on transcript NM_000051.4 (MANE Select); coding-DNA positions 5554 to 5557, CAAG replaced by TAAA.
Protein change: p.Gln1852_Asp1853delinsTer.
Molecular consequence: nonsense.
Genome position (GRCh38, 1-based): chr11:108,304,732-108,304,735, CAAG replaced by TAAA. VCF-style: chr11-108304732-CAAG-TAAA. GRCh37 (hg19) VCF-style: chr11-108175459-CAAG-TAAA.
Other names: c.5554_5557delinsTAAA, p.Gln1852_Asp1853delinsTer (NM_001351834.2); short protein forms Q1852*.
Identifiers: ClinVar variation 3148504 (VCV003148504.1), dbSNP rs2546987307, ClinGen allele CA2825001909.

ClinVar aggregate classification (germline): Pathogenic (1 of 4 stars; one submission).

Conditions:
Familial cancer of breast. Also called: BREAST CANCER, FAMILIAL; Hereditary breast cancer; hereditary breast carcinoma. Identifiers: Orphanet 227535, MedGen C0346153, MONDO:0016419, OMIM 114480. Disease mechanism: loss of function.

Submission:

Myriad Genetics, Inc.
Classification: Pathogenic for Familial cancer of breast. Last evaluated: 2024-01-25. Review status: criteria provided, single submitter. Criteria: Myriad Autosomal Dominant, Autosomal Recessive and X-Linked Classification Criteria (2023). Collection method: clinical testing. Allele origin: unknown.
Comment: This variant is considered pathogenic. This variant creates a termination codon and is predicted to result in premature protein truncation.